The following is an entry in ClinVar:

NM_000057.4(BLM):c.3226G>A (p.Asp1076Asn)

Gene: BLM (BLM RecQ like helicase; plus strand). Cytogenetic location: 15q26.1.
Variant type: single nucleotide variant.
Coding change: c.3226G>A on transcript NM_000057.4 (MANE Select); coding-DNA position 3226, G replaced by A.
Protein change: p.Asp1076Asn; replaces aspartic acid 1076 with asparagine.
Molecular consequence: missense variant.
Genome position (GRCh38, 1-based): chr15:90,798,205, G>A. VCF-style: chr15-90798205-G-A. GRCh37 (hg19) VCF-style: chr15-91341435-G-A.
Other names: c.3226G>A, p.Asp1076Asn (NM_001287246.2, NM_001287247.2); c.2101G>A, p.Asp701Asn (NM_001287248.2); short protein forms D1076N, D701N.
Identifiers: ClinVar variation 941150 (VCV000941150.13), dbSNP rs1306187879, ClinGen allele CA393847133.

ClinVar aggregate classification (germline): Uncertain significance. Review status: criteria provided, multiple submitters, no conflicts (2 of 4 stars). 3 submissions from 3 submitters: Uncertain significance (3). Last evaluated 2024-04-09.

Conditions:
Bloom syndrome (BLM). Also called: Bloom-Torre-Machacek syndrome. Identifiers: Orphanet 125, MedGen C0005859, MONDO:0008876, OMIM 210900.
Hereditary cancer-predisposing syndrome. Also called: Hereditary neoplastic syndrome; Neoplastic Syndromes, Hereditary; Tumor predisposition; Hereditary Cancer Syndrome. Identifiers: Orphanet 140162, MedGen C0027672, MeSH D009386, MONDO:0015356.

Allele frequency attached by ClinVar (database versions not stated): gnomAD exomes 0.00001.
gnomAD v4.1: 4 of 1,606,884 alleles (0.00025%); highest among the groups gnomAD compares: Non-Finnish European, 0.00034%; no homozygotes.

Submissions (3):

Ambry Genetics
Classification: Uncertain significance for Hereditary cancer-predisposing syndrome. Last evaluated: 2024-04-09. Review status: criteria provided, single submitter. Criteria: Ambry Variant Classification Scheme 2023. Collection method: clinical testing. Allele origin: germline.
Comment: The p.D1076N variant (also known as c.3226G>A), located in coding exon 16 of the BLM gene, results from a G to A substitution at nucleotide position 3226. The aspartic acid at codon 1076 is replaced by asparagine, an amino acid with highly similar properties. This amino acid position is not well conserved in available vertebrate species. In addition, this alteration is predicted to be tolerated by in silico analysis. Since supporting evidence is limited at this time, the clinical significance of this alteration remains unclear.

Labcorp Genetics (formerly Invitae), Labcorp
Classification: Uncertain significance for Bloom syndrome. Last evaluated: 2023-10-06. Review status: criteria provided, single submitter. Criteria: Invitae Variant Classification Sherloc (09022015). Collection method: clinical testing. Allele origin: germline.
Comment: This sequence change replaces aspartic acid, which is acidic and polar, with asparagine, which is neutral and polar, at codon 1076 of the BLM protein (p.Asp1076Asn). This variant is present in population databases (no rsID available, gnomAD 0.003%). This variant has not been reported in the literature in individuals affected with BLM-related conditions. ClinVar contains an entry for this variant (Variation ID: 941150). Advanced modeling of protein sequence and biophysical properties (such as structural, functional, and spatial information, amino acid conservation, physicochemical variation, residue mobility, and thermodynamic stability) performed at Invitae indicates that this missense variant is not expected to disrupt BLM protein function. In summary, the available evidence is currently insufficient to determine the role of this variant in disease. Therefore, it has been classified as a Variant of Uncertain Significance.

GeneDx
Classification: Uncertain significance. Last evaluated: 2023-07-27. Review status: criteria provided, single submitter. Criteria: GeneDx Variant Classification Process June 2021. Collection method: clinical testing. Allele origin: germline. Affected: yes.
Comment: Not observed at significant frequency in large population cohorts (gnomAD); In silico analysis supports that this missense variant does not alter protein structure/function; Has not been previously published as pathogenic or benign to our knowledge